The following is an entry in ClinVar:

ClinVar aggregate classification (germline): Uncertain significance (1 of 4 stars; one submission).

Conditions:
Early-infantile DEE. Also called: Ohtahara syndrome; Early infantile epileptic encephalopathy; Early infantile epileptic encephalopathy with suppression bursts. Identifiers: Orphanet 1934, MedGen C0393706, MONDO:0800491.

Submission:

Labcorp Genetics (formerly Invitae), Labcorp
Classification: Uncertain significance for Early-infantile DEE. Last evaluated: 2024-07-18. Review status: criteria provided, single submitter. Criteria: Invitae Variant Classification Sherloc (09022015). Collection method: clinical testing. Allele origin: germline.
Comment: This sequence change replaces leucine, which is neutral and non-polar, with arginine, which is basic and polar, at codon 609 of the HCN1 protein (p.Leu609Arg). This variant is not present in population databases (gnomAD no frequency). This variant has not been reported in the literature in individuals affected with HCN1-related conditions. Advanced modeling of protein sequence and biophysical properties (such as structural, functional, and spatial information, amino acid conservation, physicochemical variation, residue mobility, and thermodynamic stability) performed at Invitae indicates that this missense variant is not expected to disrupt HCN1 protein function with a negative predictive value of 80%. In summary, the available evidence is currently insufficient to determine the role of this variant in disease. Therefore, it has been classified as a Variant of Uncertain Significance.

NM_021072.4(HCN1):c.1826T>G (p.Leu609Arg)

Gene: HCN1 (hyperpolarization activated cyclic nucleotide gated potassium channel 1; minus strand). Cytogenetic location: 5p12.
Variant type: single nucleotide variant.
Coding change: c.1826T>G on transcript NM_021072.4 (MANE Select); coding-DNA position 1826, T replaced by G.
Protein change: p.Leu609Arg; replaces leucine 609 with arginine.
Molecular consequence: missense variant.
Genome position (GRCh38, 1-based): chr5:45,262,768, A>C on the plus strand (T>G on the coding strand, the complement: HCN1 is on the minus strand). VCF-style: chr5-45262768-A-C. GRCh37 (hg19) VCF-style: chr5-45262870-A-C.
Other names: short protein forms L609R.
Identifiers: ClinVar variation 3659826 (VCV003659826.2).